The following is an entry in ClinVar:

NM_178012.5(TUBB2B):c.1228G>A (p.Glu410Lys)

Gene: TUBB2B (tubulin beta 2B class IIb; minus strand). Cytogenetic location: 6p25.2.
Variant type: single nucleotide variant.
Coding change: c.1228G>A on transcript NM_178012.5 (MANE Select); coding-DNA position 1228, G replaced by A.
Protein change: p.Glu410Lys; replaces glutamic acid 410 with lysine.
Molecular consequence: missense variant.
Genome position (GRCh38, 1-based): chr6:3,224,861, C>T on the plus strand (G>A on the coding strand, the complement: TUBB2B is on the minus strand). VCF-style: chr6-3224861-C-T. GRCh37 (hg19) VCF-style: chr6-3225095-C-T.
Other names: short protein forms E410K.
Identifiers: ClinVar variation 1195195 (VCV001195195.6), dbSNP rs2113818881, ClinGen allele CA362584664.

ClinVar aggregate classification (germline): Pathogenic/Likely pathogenic. Review status: criteria provided, multiple submitters, no conflicts (2 of 4 stars). 3 submissions from 3 submitters: Pathogenic (1); Likely pathogenic (2). Last evaluated 2023-08-02.

Conditions:
Tubulinopathy. Also called: Tubulinopathies. Identifiers: MedGen CN850169, MONDO:0100153.

Submissions (3):

Labcorp Genetics (formerly Invitae), Labcorp
Classification: Pathogenic. Last evaluated: 2023-08-02. Review status: criteria provided, single submitter. Criteria: Invitae Variant Classification Sherloc (09022015). Collection method: clinical testing. Allele origin: germline.
Comment: For these reasons, this variant has been classified as Pathogenic. Advanced modeling of protein sequence and biophysical properties (such as structural, functional, and spatial information, amino acid conservation, physicochemical variation, residue mobility, and thermodynamic stability) performed at Invitae indicates that this missense variant is expected to disrupt TUBB2B protein function. ClinVar contains an entry for this variant (Variation ID: 1195195). This missense change has been observed in individual(s) with clinical features of tubulinopathy (Invitae). In at least one individual the variant was observed to be de novo. This variant is not present in population databases (gnomAD no frequency). This sequence change replaces glutamic acid, which is acidic and polar, with lysine, which is basic and polar, at codon 410 of the TUBB2B protein (p.Glu410Lys).

GeneDx
Classification: Likely pathogenic. Last evaluated: 2019-09-28. Review status: criteria provided, single submitter. Criteria: GeneDx Variant Classification Process June 2021. Collection method: clinical testing. Allele origin: germline. Affected: yes.
Comment: Not observed in large population cohorts (Lek et al., 2016); The majority of missense variants in this gene are considered pathogenic (Stenson et al., 2014); In silico analysis, which includes protein predictors and evolutionary conservation, supports that this variant does not alter protein structure/function; Has not been previously published as pathogenic or benign to our knowledge

Illumina Laboratory Services, Illumina
Classification: Likely pathogenic for Tubulinopathy. Last evaluated: 2018-03-29. Review status: criteria provided, single submitter. Criteria: ICSLVariantClassificationCriteria RUGD 01 April 2020. Collection method: clinical testing. Allele origin: unknown.
Comment: The TUBB2B c.1228G>A p.(Glu410Lys) missense variant, has not, to the best of our knowledge, been reported in the peer-reviewed literature. This variant is not observed in version 2.1.1 of the Genome Aggregation Database. Based on the available evidence, the c.1228G>A p.(Glu410Lys) variant is classified as likely pathogenic for TUBB2B-related tubulinopathy.